The following is an entry in ClinVar:

NM_001267550.2(TTN):c.53669G>A (p.Gly17890Asp)

Genes: TTN (titin; minus strand), TTN-AS1 (TTN antisense RNA 1; plus strand). Cytogenetic location: 2q31.2.
Variant type: single nucleotide variant.
Coding change: c.53669G>A on transcript NM_001267550.2 (MANE Select); coding-DNA position 53669, G replaced by A.
Protein change: p.Gly17890Asp; replaces glycine 17890 with aspartic acid.
Molecular consequence: missense variant.
Genome position (GRCh38, 1-based): chr2:178,605,626, C>T on the plus strand (G>A on the coding strand, the complement: TTN is on the minus strand). VCF-style: chr2-178605626-C-T. GRCh37 (hg19) VCF-style: chr2-179470353-C-T.
Other names: c.48746G>A, p.Gly16249Asp (NM_001256850.1); c.26474G>A, p.Gly8825Asp (NM_003319.4); c.45965G>A, p.Gly15322Asp (NM_133378.4); c.26849G>A, p.Gly8950Asp (NM_133432.3); c.27050G>A, p.Gly9017Asp (NM_133437.4); short protein forms G17890D, G8950D, G9017D, G15322D, G8825D, G16249D.
Identifiers: ClinVar variation 1794257 (VCV001794257.3), dbSNP rs756643886, ClinGen allele CA1993754.

ClinVar aggregate classification (germline): Uncertain significance. Review status: criteria provided, multiple submitters, no conflicts (2 of 4 stars). 2 submissions from 2 submitters: Uncertain significance (2). Last evaluated 2025-06-05.

Conditions:
Cardiovascular phenotype. Identifiers: MedGen CN230736.

Allele frequency attached by ClinVar (database versions not stated): ExAC 0.00002; gnomAD exomes 0.00001.
gnomAD v4.1: 11 of 1,612,054 alleles (0.00068%); highest among the groups gnomAD compares: South Asian, 0.0099%; no homozygotes.

Submissions (2):

Revvity Omics, Revvity
Classification: Uncertain significance. Last evaluated: 2025-06-05. Review status: criteria provided, single submitter. Criteria: ACMG Guidelines, 2015. Collection method: clinical testing. Allele origin: germline.

Ambry Genetics
Classification: Uncertain significance for Cardiovascular phenotype. Last evaluated: 2019-12-04. Review status: criteria provided, single submitter. Criteria: Ambry Variant Classification Scheme 2023. Collection method: clinical testing. Allele origin: germline.
Comment: The p.G8825D variant (also known as c.26474G>A), located in coding exon 106 of the TTN gene, results from a G to A substitution at nucleotide position 26474. The glycine at codon 8825 is replaced by aspartic acid, an amino acid with similar properties. This amino acid position is well conserved in available vertebrate species. In addition, this alteration is predicted to be tolerated by in silico analysis. Since supporting evidence is limited at this time, the clinical significance of this alteration remains unclear.